The following is an entry in ClinVar:

NM_014516.4(CNOT3):c.1055C>T (p.Ala352Val)

Gene: CNOT3 (CCR4-NOT transcription complex subunit 3; plus strand). Cytogenetic location: 19q13.42.
Variant type: single nucleotide variant.
Coding change: c.1055C>T on transcript NM_014516.4 (MANE Select); coding-DNA position 1055, C replaced by T.
Protein change: p.Ala352Val; replaces alanine 352 with valine.
Molecular consequence: missense variant.
Genome position (GRCh38, 1-based): chr19:54,148,308, C>T. VCF-style: chr19-54148308-C-T. GRCh37 (hg19) VCF-style: chr19-54652043-C-T.
Other names: short protein forms A352V.
Identifiers: ClinVar variation 3641366 (VCV003641366.2).

ClinVar aggregate classification (germline): Uncertain significance (1 of 4 stars; one submission).

gnomAD v4.1: 2 of 1,606,906 alleles (0.00012%); highest among the groups gnomAD compares: African/African-American, 0.0027%; no homozygotes.

Submission:

Labcorp Genetics (formerly Invitae), Labcorp
Classification: Uncertain significance. Last evaluated: 2024-03-06. Review status: criteria provided, single submitter. Criteria: Invitae Variant Classification Sherloc (09022015). Collection method: clinical testing. Allele origin: germline.
Comment: This sequence change replaces alanine, which is neutral and non-polar, with valine, which is neutral and non-polar, at codon 352 of the CNOT3 protein (p.Ala352Val). This variant is not present in population databases (gnomAD no frequency). This variant has not been reported in the literature in individuals affected with CNOT3-related conditions. An algorithm developed to predict the effect of missense changes on protein structure and function (PolyPhen-2) suggests that this variant is likely to be tolerated. In summary, the available evidence is currently insufficient to determine the role of this variant in disease. Therefore, it has been classified as a Variant of Uncertain Significance.